The following is an entry in ClinVar:

NM_002971.6(SATB1):c.111G>A (p.Gly37=)

Gene: SATB1 (SATB homeobox 1; minus strand). Cytogenetic location: 3p24.3.
Variant type: single nucleotide variant.
Coding change: c.111G>A on transcript NM_002971.6 (MANE Select); coding-DNA position 111, G replaced by A.
Protein change: p.Gly37=; no amino-acid change (glycine 37 retained).
Molecular consequence: synonymous variant. On other transcripts: intron variant (1).
Genome position (GRCh38, 1-based): chr3:18,420,857, C>T on the plus strand (G>A on the coding strand, the complement: SATB1 is on the minus strand). VCF-style: chr3-18420857-C-T. GRCh37 (hg19) VCF-style: chr3-18462349-C-T.
Other names: c.111G>A, p.Gly37= (NM_001131010.4, NM_001195470.3, NM_001322871.2 and 4 more transcripts); c.-5-3779G>A (NM_001322876.2).
Identifiers: ClinVar variation 2653622 (VCV002653622.24), dbSNP rs61760908, ClinGen allele CA2282294.

ClinVar aggregate classification (germline): Likely benign (1 of 4 stars; one submission).

Allele frequency attached by ClinVar (database versions not stated): ESP Exome Variant Server 0.00015; 1000 Genomes Project 30x 0.00016; 1000 Genomes Project 0.00020; ExAC 0.00023; gnomAD 0.00023; gnomAD exomes 0.00026; TOPMed 0.00027.
gnomAD v4.1: 415 of 1,614,200 alleles (0.026%); highest among the groups gnomAD compares: Non-Finnish European, 0.032%; 1 homozygote.

Submission:

CeGaT Center for Human Genetics Tuebingen
Classification: Likely benign. Last evaluated: 2023-11-01. Review status: criteria provided, single submitter. Criteria: CeGaT Center For Human Genetics Tuebingen Variant Classification Criteria Version 2. Collection method: clinical testing. Allele origin: germline. Affected: yes. Observed: 2 variant alleles.
Comment: SATB1: BP4, BP7